The following is an entry in ClinVar:

ClinVar aggregate classification (germline): Uncertain significance (1 of 4 stars; one submission).

Conditions:
Perlman syndrome (PRLMNS). Identifiers: Orphanet 2849, MedGen C0796113, MONDO:0009965, OMIM 267000.

gnomAD v4.1: 1 of 1,614,166 alleles (0.000062%); no homozygotes.

Submission:

Labcorp Genetics (formerly Invitae), Labcorp
Classification: Uncertain significance for Perlman syndrome. Last evaluated: 2025-04-07. Review status: criteria provided, single submitter. Criteria: Invitae Variant Classification Sherloc (09022015). Collection method: clinical testing. Allele origin: germline.
Comment: This sequence change replaces glutamic acid, which is acidic and polar, with aspartic acid, which is acidic and polar, at codon 339 of the DIS3L2 protein (p.Glu339Asp). This variant is not present in population databases (gnomAD no frequency). This variant has not been reported in the literature in individuals affected with DIS3L2-related conditions. ClinVar contains an entry for this variant (Variation ID: 1439676). Invitae Evidence Modeling of protein sequence and biophysical properties (such as structural, functional, and spatial information, amino acid conservation, physicochemical variation, residue mobility, and thermodynamic stability) indicates that this missense variant is not expected to disrupt DIS3L2 protein function with a negative predictive value of 80%. In summary, the available evidence is currently insufficient to determine the role of this variant in disease. Therefore, it has been classified as a Variant of Uncertain Significance.

NM_152383.5(DIS3L2):c.1017G>T (p.Glu339Asp)

Gene: DIS3L2 (DIS3 like 3'-5' exoribonuclease 2; plus strand). Cytogenetic location: 2q37.1.
Variant type: single nucleotide variant.
Coding change: c.1017G>T on transcript NM_152383.5 (MANE Select); coding-DNA position 1017, G replaced by T.
Protein change: p.Glu339Asp; replaces glutamic acid 339 with aspartic acid.
Molecular consequence: missense variant. On other transcripts: non-coding transcript variant (2).
Genome position (GRCh38, 1-based): chr2:232,163,525, G>T. VCF-style: chr2-232163525-G-T. GRCh37 (hg19) VCF-style: chr2-233028235-G-T.
Other names: c.1017G>T, p.Glu339Asp (NM_001257281.2); short protein forms E339D.
Identifiers: ClinVar variation 1439676 (VCV001439676.8), dbSNP rs1399915826, ClinGen allele CA351154299.